The following is an entry in ClinVar:

NM_001110556.2(FLNA):c.3107G>A (p.Arg1036His)

Gene: FLNA (filamin A; minus strand). Cytogenetic location: Xq28.
Variant type: single nucleotide variant.
Coding change: c.3107G>A on transcript NM_001110556.2 (MANE Select); coding-DNA position 3107, G replaced by A.
Protein change: p.Arg1036His; replaces arginine 1036 with histidine.
Molecular consequence: missense variant.
Genome position (GRCh38, 1-based): chrX:154,361,408, C>T on the plus strand (G>A on the coding strand, the complement: FLNA is on the minus strand). VCF-style: chrX-154361408-C-T. GRCh37 (hg19) VCF-style: chrX-153589776-C-T.
Other names: c.3107G>A, p.Arg1036His (NM_001456.4); short protein forms R1036H.
Identifiers: ClinVar variation 649352 (VCV000649352.13), dbSNP rs782758177, ClinGen allele CA10560775.
Genomic context (GRCh38, chrX:154,361,408, plus strand): 5'-GGGCTGCCAGGCACGGGCACGCCGTCATAGGTCACCTCCACCTCATAGGGCCCTTCCTCA[C>T]GGGGCAGGAAGCGCACCACACTGTTGTCAGCCCCCAGGCCTGGCTCCACCTTGCAGGGCA-3'
Protein context (NP_001104026.1, residues 1026-1046): ADNSVVRFLP[Arg1036His]EEGPYEVEVT

ClinVar aggregate classification (germline): Conflicting classifications of pathogenicity. Review status: criteria provided, conflicting classifications (1 of 4 stars). 3 submissions from 3 submitters: Uncertain significance (2); Benign (1). Last evaluated 2025-12-30.

Conditions:
Frontometaphyseal dysplasia (FMD1). Identifiers: Orphanet 1826, MedGen C0265293, MONDO:0015942.
Oto-palato-digital syndrome, type II (OPD2). Also called: FACIOPALATOOSSEOUS SYNDROME; Otopalatodigital Syndrome, Type II; Otopalatodigital Syndrome Type 2 (FLNA-OPD2); OPD II SYNDROME. Identifiers: Orphanet 669, Orphanet 90652, MedGen C1844696, MONDO:0010571, OMIM 304120.
Heterotopia, periventricular, X-linked dominant (PVNH1). Also called: PERIVENTRICULAR NODULAR HETEROTOPIA 4; HETEROTOPIA, PERIVENTRICULAR, 1; PERIVENTRICULAR NODULAR HETEROTOPIA 1; X-linked periventricular heterotopia. Identifiers: Orphanet 2149, Orphanet 82004, MedGen C1848213, MONDO:0010233, OMIM 300049.
Melnick-Needles syndrome (MNS). Also called: Melnick-Needles Syndrome (FLNA-MNS); MELNICK-NEEDLES OSTEODYSPLASTY; OSTEODYSPLASTY OF MELNICK AND NEEDLES. Identifiers: Orphanet 2484, MedGen C0025237, MONDO:0010650, OMIM 309350.
Familial thoracic aortic aneurysm and aortic dissection (TAAD). Also called: Thoracic aortic aneurysms and dissections. Identifiers: Orphanet 91387, MedGen C4707243, MONDO:0019625.

Allele frequency attached by ClinVar (database versions not stated): ExAC 0.00001; gnomAD exomes 0.00002; TOPMed 0.00002; gnomAD 0.00003.
gnomAD v4.1: 14 of 1,208,650 alleles (0.0012%); highest among the groups gnomAD compares: African/African-American, 0.011%; no homozygotes.

Submissions (3):

Ambry Genetics
Classification: Uncertain significance for Familial thoracic aortic aneurysm and aortic dissection. Last evaluated: 2025-12-30. Review status: criteria provided, single submitter. Criteria: Ambry Variant Classification Scheme 2023. Collection method: clinical testing. Allele origin: germline.
Comment: The p.R1036H variant (also known as c.3107G>A), located in coding exon 20 of the FLNA gene, results from a G to A substitution at nucleotide position 3107. The arginine at codon 1036 is replaced by histidine, an amino acid with highly similar properties. This amino acid position is conserved. In addition, the in silico prediction for this alteration is inconclusive. Based on the available evidence, the clinical significance of this variant remains unclear.

Labcorp Genetics (formerly Invitae), Labcorp
Classification: Benign for Oto-palato-digital syndrome, type II; Heterotopia, periventricular, X-linked dominant; Frontometaphyseal dysplasia; Melnick-Needles syndrome. Last evaluated: 2025-12-18. Review status: criteria provided, single submitter. Criteria: Invitae Variant Classification Sherloc (09022015). Collection method: clinical testing. Allele origin: germline.

GeneDx
Classification: Uncertain significance. Last evaluated: 2019-08-28. Review status: criteria provided, single submitter. Criteria: GeneDx Variant Classification Process June 2021. Collection method: clinical testing. Allele origin: germline. Affected: yes.
Comment: Has not been previously published as pathogenic or benign to our knowledge; In silico analysis, which includes protein predictors and evolutionary conservation, supports that this variant does not alter protein structure/function